The following is an entry in ClinVar:

NM_001112741.2(KCNC1):c.788G>A (p.Arg263His)

Gene: KCNC1 (potassium voltage-gated channel subfamily C member 1; plus strand). Cytogenetic location: 11p15.1.
Variant type: single nucleotide variant.
Coding change: c.788G>A on transcript NM_001112741.2 (MANE Select); coding-DNA position 788, G replaced by A.
Protein change: p.Arg263His; replaces arginine 263 with histidine.
Molecular consequence: missense variant.
Genome position (GRCh38, 1-based): chr11:17,771,882, G>A. VCF-style: chr11-17771882-G-A. GRCh37 (hg19) VCF-style: chr11-17793429-G-A.
Other names: c.788G>A, p.Arg263His (NM_004976.4); short protein forms R263H.
Identifiers: ClinVar variation 570230 (VCV000570230.10), dbSNP rs775163829, ClinGen allele CA5906735.

ClinVar aggregate classification (germline): Uncertain significance (1 of 4 stars; one submission).

Conditions:
Progressive myoclonic epilepsy type 7. Identifiers: Orphanet 435438, MedGen C4015420, MONDO:0014521, OMIM 616187.

Allele frequency attached by ClinVar (database versions not stated): gnomAD exomes below 0.00001; ExAC 0.00001.

Submission:

Labcorp Genetics (formerly Invitae), Labcorp
Classification: Uncertain significance for Progressive myoclonic epilepsy type 7. Last evaluated: 2018-07-05. Review status: criteria provided, single submitter. Criteria: Invitae Variant Classification Sherloc (09022015). Collection method: clinical testing. Allele origin: germline.
Comment: In summary, the available evidence is currently insufficient to determine the role of this variant in disease. Therefore, it has been classified as a Variant of Uncertain Significance. Algorithms developed to predict the effect of missense changes on protein structure and function (SIFT, PolyPhen-2, Align-GVGD) all suggest that this variant is likely to be disruptive, but these predictions have not been confirmed by published functional studies and their clinical significance is uncertain. This variant has not been reported in the literature in individuals with KCNC1-related disease. This variant is present in population databases (rs775163829, ExAC 0.001%). This sequence change replaces arginine with histidine at codon 263 of the KCNC1 protein (p.Arg263His). The arginine residue is highly conserved and there is a small physicochemical difference between arginine and histidine.